The following is an entry in ClinVar:

ClinVar aggregate classification (germline): Uncertain significance. Review status: criteria provided, multiple submitters, no conflicts (2 of 4 stars). 4 submissions from 4 submitters: Uncertain significance (4). Last evaluated 2026-08-31.

Conditions:
Hypersulfaturia (HYSULF). Identifiers: MedGen C5830511, MONDO:0957268, OMIM 620372.
Nephrolithiasis susceptibility caused by SLC26A1 (CAON1). Also called: NEPHROLITHIASIS, CALCIUM OXALATE, 1. Identifiers: MedGen C5779632, MONDO:0020722, OMIM 167030.
SLC26A1-related disorder. Also called: SLC26A1-related condition.
Inborn genetic diseases. Identifiers: MedGen C0950123, MeSH D030342.

Allele frequency attached by ClinVar (database versions not stated): ESP Exome Variant Server 0.00015; 1000 Genomes Project 30x 0.00016; ExAC 0.00016; 1000 Genomes Project 0.00020; gnomAD 0.00021; TOPMed 0.00058.
gnomAD v4.1: 149 of 1,603,950 alleles (0.0093%); highest among the groups gnomAD compares: Middle Eastern, 0.083%; no homozygotes.

Submissions (4):

PreventionGenetics, part of Exact Sciences
Classification: Uncertain significance for SLC26A1-related condition. Last evaluated: 2026-08-31. Review status: criteria provided, single submitter. Criteria: ACMG Guidelines, 2015. Collection method: clinical testing. Allele origin: germline.
Comment: The SLC26A1 c.1597C>A variant is predicted to result in the amino acid substitution p.Pro533Thr. To our knowledge, this variant has not been reported in the literature. This variant is reported in 0.018% of alleles in individuals of Latino descent in gnomAD. At this time, the clinical significance of this variant is uncertain due to the absence of conclusive functional and genetic evidence.

Labcorp Genetics (formerly Invitae), Labcorp
Classification: Uncertain significance. Last evaluated: 2025-09-21. Review status: criteria provided, single submitter. Criteria: Invitae Variant Classification Sherloc (09022015). Collection method: clinical testing. Allele origin: germline.
Comment: This sequence change replaces proline, which is neutral and non-polar, with threonine, which is neutral and polar, at codon 533 of the SLC26A1 protein (p.Pro533Thr). This variant is present in population databases (rs143915071, gnomAD 0.02%). This variant has not been reported in the literature in individuals affected with SLC26A1-related conditions. ClinVar contains an entry for this variant (Variation ID: 2324433). Invitae Evidence Modeling of protein sequence and biophysical properties (such as structural, functional, and spatial information, amino acid conservation, physicochemical variation, residue mobility, and thermodynamic stability) indicates that this missense variant is not expected to disrupt SLC26A1 protein function with a negative predictive value of 80%. In summary, the available evidence is currently insufficient to determine the role of this variant in disease. Therefore, it has been classified as a Variant of Uncertain Significance.

Fulgent Genetics
Classification: Uncertain significance for Nephrolithiasis susceptibility caused by SLC26A1; Hypersulfaturia. Last evaluated: 2024-02-14. Review status: criteria provided, single submitter. Criteria: ACMG Guidelines, 2015. Collection method: clinical testing. Allele origin: germline.

Ambry Genetics
Classification: Uncertain significance for Inborn genetic diseases. Last evaluated: 2021-09-27. Review status: criteria provided, single submitter. Criteria: Ambry Variant Classification Scheme 2023. Collection method: clinical testing. Allele origin: germline.

NM_022042.4(SLC26A1):c.1597C>A (p.Pro533Thr)

Genes: IDUA (alpha-L-iduronidase; plus strand), SLC26A1 (solute carrier family 26 member 1; minus strand). Cytogenetic location: 4p16.3.
Variant type: single nucleotide variant.
Coding change: c.1597C>A on transcript NM_022042.4 (MANE Select); coding-DNA position 1597, C replaced by A.
Protein change: p.Pro533Thr; replaces proline 533 with threonine.
Molecular consequence: missense variant. On other transcripts: intron variant (2).
Genome position (GRCh38, 1-based): chr4:989,342, G>T on the plus strand (C>A on the coding strand, the complement: SLC26A1 is on the minus strand). VCF-style: chr4-989342-G-T. GRCh37 (hg19) VCF-style: chr4-983130-G-T.
Other names: c.1597C>A, p.Pro533Thr (NM_213613.4); c.576+1786C>A (NM_134425.4); c.299+1393G>T (NM_000203.5); c.1597C>A (NM_022042.3); short protein forms P533T.
Identifiers: ClinVar variation 2324433 (VCV002324433.7), dbSNP rs143915071, ClinGen allele CA2801339.